The following is an entry in ClinVar:

ClinVar aggregate classification (germline): Pathogenic (1 of 4 stars; one submission).

Submission:

Labcorp Genetics (formerly Invitae), Labcorp
Classification: Pathogenic. Last evaluated: 2025-07-19. Review status: criteria provided, single submitter. Criteria: Invitae Variant Classification Sherloc (09022015). Collection method: clinical testing. Allele origin: germline.
Comment: This sequence change creates a premature translational stop signal (p.Trp490*) in the CYLD gene. It is expected to result in an absent or disrupted protein product. Loss-of-function variants in CYLD are known to be pathogenic (PMID: 19462465). This variant is not present in population databases (gnomAD no frequency). This variant has not been reported in the literature in individuals affected with CYLD-related conditions. For these reasons, this variant has been classified as Pathogenic.

Literature cited by the submitters: PubMed 19462465.

NM_001378743.1(CYLD):c.1469G>A (p.Trp490Ter)

Gene: CYLD (CYLD lysine 63 deubiquitinase; plus strand). Cytogenetic location: 16q12.1.
Variant type: single nucleotide variant.
Coding change: c.1469G>A on transcript NM_001378743.1 (MANE Select); coding-DNA position 1469, G replaced by A.
Protein change: p.Trp490Ter; replaces tryptophan 490 with a stop codon.
Molecular consequence: nonsense. On other transcripts: non-coding transcript variant (1).
Genome position (GRCh38, 1-based): chr16:50,779,995, G>A. VCF-style: chr16-50779995-G-A. GRCh37 (hg19) VCF-style: chr16-50813906-G-A.
Other names: c.1460G>A, p.Trp487Ter (NM_001042355.2, NM_001042412.3, NM_001378744.1 and 6 more transcripts); c.1430G>A, p.Trp477Ter (NM_001378751.1, NM_001378752.1, NM_001378753.1); c.794G>A, p.Trp265Ter (NM_001378754.1, NM_001378755.1); c.1469G>A, p.Trp490Ter (NM_015247.3); short protein forms W477*, W487*, W265*, W490*.
Identifiers: ClinVar variation 4723468 (VCV004723468.1).